The following is an entry in ClinVar:

NM_014141.6(CNTNAP2):c.1108G>T (p.Glu370Ter)

Gene: CNTNAP2 (contactin associated protein 2; plus strand). Cytogenetic location: 7q35.
Variant type: single nucleotide variant.
Coding change: c.1108G>T on transcript NM_014141.6 (MANE Select); coding-DNA position 1108, G replaced by T.
Protein change: p.Glu370Ter; replaces glutamic acid 370 with a stop codon.
Molecular consequence: nonsense.
Genome position (GRCh38, 1-based): chr7:147,132,269, G>T. VCF-style: chr7-147132269-G-T. GRCh37 (hg19) VCF-style: chr7-146829361-G-T.
Other names: short protein forms E370*.
Identifiers: ClinVar variation 2770913 (VCV002770913.3), dbSNP rs2485922676, ClinGen allele CA369924501.
Genomic context (GRCh38, chr7:147,132,269, plus strand): 5'-TGTGTTTTCCTCAGAGCCTGTCTTTCTATTTTACAGGGAAATTTGAGCTTTTCTTGTGTG[G>T]AACCCTATACGGTGCCTGTCTTTTTCAACGCTACAAGTTACCTGGAGGTGCCCGGACGGC-3'

ClinVar aggregate classification (germline): Pathogenic (1 of 4 stars; one submission).

Conditions:
Cortical dysplasia-focal epilepsy syndrome (PTHSL1). Also called: Pitt-Hopkins-like syndrome 1. Identifiers: Orphanet 163681, Orphanet 221150, MedGen C2750246, MONDO:0012400, OMIM 610042.

Submission:

Labcorp Genetics (formerly Invitae), Labcorp
Classification: Pathogenic for Cortical dysplasia-focal epilepsy syndrome. Last evaluated: 2023-10-26. Review status: criteria provided, single submitter. Criteria: Invitae Variant Classification Sherloc (09022015). Collection method: clinical testing. Allele origin: germline.
Comment: This sequence change creates a premature translational stop signal (p.Glu370*) in the CNTNAP2 gene. It is expected to result in an absent or disrupted protein product. Loss-of-function variants in CNTNAP2 are known to be pathogenic (PMID: 19896112, 21827697, 25045150, 26843181, 27439707). This variant is not present in population databases (gnomAD no frequency). This variant has not been reported in the literature in individuals affected with CNTNAP2-related conditions. For these reasons, this variant has been classified as Pathogenic.

Literature cited by the submitters: PubMed 19896112; PubMed 21827697; PubMed 25045150; PubMed 26843181; PubMed 27439707.